The following is an entry in ClinVar:

NM_001098816.3(TENM4):c.2822T>C (p.Ile941Thr)

Gene: TENM4 (teneurin transmembrane protein 4; minus strand). Cytogenetic location: 11q14.1.
Variant type: single nucleotide variant.
Coding change: c.2822T>C on transcript NM_001098816.3 (MANE Select); coding-DNA position 2822, T replaced by C.
Protein change: p.Ile941Thr; replaces isoleucine 941 with threonine.
Molecular consequence: missense variant.
Genome position (GRCh38, 1-based): chr11:78,738,505, A>G on the plus strand (T>C on the coding strand, the complement: TENM4 is on the minus strand). VCF-style: chr11-78738505-A-G. GRCh37 (hg19) VCF-style: chr11-78449550-A-G.
Other names: short protein forms I941T.
Identifiers: ClinVar variation 4988637 (VCV004988637.1).

ClinVar aggregate classification (germline): Uncertain significance (1 of 4 stars; one submission).

Conditions:
TENM4-related disorder. Also called: TENM4-related condition.

gnomAD v4.1: 1 of 1,613,816 alleles (0.000062%); highest among the groups gnomAD compares: East Asian, 0.0022%; no homozygotes.

Submission:

PreventionGenetics, part of Exact Sciences
Classification: Uncertain significance for TENM4-related condition. Last evaluated: 2025-07-11. Review status: criteria provided, single submitter. Criteria: ACMG Guidelines, 2015. Collection method: clinical testing. Allele origin: germline.
Comment: The TENM4 c.2822T>C variant is predicted to result in the amino acid substitution p.Ile941Thr. To our knowledge, this variant has not been reported in the literature or in a large population database (gnomAD), indicating this variant is rare. At this time, the clinical significance of this variant is uncertain due to the absence of conclusive functional and genetic evidence.